The following is an entry in ClinVar:

NM_024642.5(GALNT12):c.667G>A (p.Val223Ile)

Gene: GALNT12 (polypeptide N-acetylgalactosaminyltransferase 12; plus strand). Cytogenetic location: 9q22.33.
Variant type: single nucleotide variant.
Coding change: c.667G>A on transcript NM_024642.5 (MANE Select); coding-DNA position 667, G replaced by A.
Protein change: p.Val223Ile; replaces valine 223 with isoleucine.
Molecular consequence: missense variant.
Genome position (GRCh38, 1-based): chr9:98,826,877, G>A. VCF-style: chr9-98826877-G-A. GRCh37 (hg19) VCF-style: chr9-101589159-G-A.
Other names: short protein forms V223I.
Identifiers: ClinVar variation 4670608 (VCV004670608.1).
Genomic context (GRCh38, chr9:98,826,877, plus strand): 5'-AACAAGAGAGAGGGCCTGGTGCGAGCCCGGCTGCTGGGGGCGTCTGCGGCGAGGGGCGAT[G>A]TTCTGACCTTCCTGGACTGTCACTGTGAGTGCCACGAAGGGTGGCTGGAGCCGCTGCTGC-3'
Protein context (NP_078918.3, residues 213-233): LLGASAARGD[Val223Ile]LTFLDCHCEC

ClinVar aggregate classification (germline): Uncertain significance (1 of 4 stars; one submission).

gnomAD v4.1: 3 of 1,595,728 alleles (0.00019%); highest among the groups gnomAD compares: South Asian, 0.0011%; no homozygotes.

Submission:

Ambry Genetics
Classification: Uncertain significance. Last evaluated: 2025-10-25. Review status: criteria provided, single submitter. Criteria: Ambry Variant Classification Scheme 2023. Collection method: clinical testing. Allele origin: germline.
Comment: The p.V223I variant (also known as c.667G>A), located in coding exon 3 of the GALNT12 gene, results from a G to A substitution at nucleotide position 667. The valine at codon 223 is replaced by isoleucine, an amino acid with highly similar properties. This amino acid position is conserved. In addition, this alteration is predicted to be tolerated by in silico analysis. Based on the available evidence, the clinical significance of this variant remains unclear.